The following is an entry in ClinVar:

NM_002471.4(MYH6):c.4684C>T (p.Arg1562Trp)

Genes: MYH6 (myosin heavy chain 6; minus strand), LOC126861896 (BRD4-independent group 4 enhancer GRCh37_chr14:23854904-23856103; plus strand). Cytogenetic location: 14q11.2.
Variant type: single nucleotide variant.
Coding change: c.4684C>T on transcript NM_002471.4 (MANE Select); coding-DNA position 4684, C replaced by T.
Protein change: p.Arg1562Trp; replaces arginine 1562 with tryptophan.
Molecular consequence: missense variant.
Genome position (GRCh38, 1-based): chr14:23,386,590, G>A on the plus strand (C>T on the coding strand, the complement: MYH6 is on the minus strand). VCF-style: chr14-23386590-G-A. GRCh37 (hg19) VCF-style: chr14-23855799-G-A.
Other names: short protein forms R1562W.
Identifiers: ClinVar variation 470543 (VCV000470543.13), dbSNP rs756237624, ClinGen allele CA7114664.

ClinVar aggregate classification (germline): Uncertain significance. Review status: criteria provided, multiple submitters, no conflicts (2 of 4 stars). 3 submissions from 3 submitters: Uncertain significance (3). Last evaluated 2025-04-18.

Conditions:
MYH6-related disorder. Also called: MYH6-Related Disorders; MYH6-related condition.
Cardiovascular phenotype. Identifiers: MedGen CN230736.
Hypertrophic cardiomyopathy 14. Identifiers: MedGen C2750467, MONDO:0013197, OMIM 613251.

Allele frequency attached by ClinVar (database versions not stated): ExAC 0.00001; gnomAD exomes 0.00002; gnomAD 0.00004; TOPMed 0.00004.
gnomAD v4.1: 27 of 1,612,224 alleles (0.0017%); highest among the groups gnomAD compares: African/African-American, 0.0067%; no homozygotes.

Submissions (3):

PreventionGenetics, part of Exact Sciences
Classification: Uncertain significance for MYH6-related condition. Last evaluated: 2025-04-18. Review status: criteria provided, single submitter. Criteria: ACMG Guidelines, 2015. Collection method: clinical testing. Allele origin: germline.
Comment: The MYH6 c.4684C>T variant is predicted to result in the amino acid substitution p.Arg1562Trp. To our knowledge, this variant has not been reported in the literature. This variant is reported in 0.0033% of alleles in individuals of South Asian descent in gnomAD. A different nucleotide substitution affecting the same amino acid (p.Arg1562Gln) has been reported in three individuals with dilated cardiomyopathy (Table S4, Verdonschot et al. 2020. PubMed ID: 32880476). At this time, the clinical significance of the c.4684C>T (p.Arg1562Trp) variant is uncertain due to the absence of conclusive functional and genetic evidence.

Labcorp Genetics (formerly Invitae), Labcorp
Classification: Uncertain significance for Hypertrophic cardiomyopathy 14. Last evaluated: 2024-09-29. Review status: criteria provided, single submitter. Criteria: Invitae Variant Classification Sherloc (09022015). Collection method: clinical testing. Allele origin: germline.
Comment: This sequence change replaces arginine, which is basic and polar, with tryptophan, which is neutral and slightly polar, at codon 1562 of the MYH6 protein (p.Arg1562Trp). This variant is present in population databases (rs756237624, gnomAD 0.003%). This variant has not been reported in the literature in individuals affected with MYH6-related conditions. ClinVar contains an entry for this variant (Variation ID: 470543). Invitae Evidence Modeling of protein sequence and biophysical properties (such as structural, functional, and spatial information, amino acid conservation, physicochemical variation, residue mobility, and thermodynamic stability) indicates that this missense variant is expected to disrupt MYH6 protein function with a positive predictive value of 80%. In summary, the available evidence is currently insufficient to determine the role of this variant in disease. Therefore, it has been classified as a Variant of Uncertain Significance.

Ambry Genetics
Classification: Uncertain significance for Cardiovascular phenotype. Last evaluated: 2022-10-17. Review status: criteria provided, single submitter. Criteria: Ambry Variant Classification Scheme 2023. Collection method: clinical testing. Allele origin: germline.
Comment: The p.R1562W variant (also known as c.4684C>T), located in coding exon 31 of the MYH6 gene, results from a C to T substitution at nucleotide position 4684. The arginine at codon 1562 is replaced by tryptophan, an amino acid with dissimilar properties. This variant has been detected in a hypertrophic cardiomyopathy cohort; however, clinical details were limited (Mademont-Soler I et al. PLoS ONE, 2017 Aug;12:e0181465). This amino acid position is highly conserved in available vertebrate species. In addition, this alteration is predicted to be deleterious by in silico analysis. Since supporting evidence is limited at this time, the clinical significance of this alteration remains unclear.

Literature cited by the submitters: PubMed 28771489 (cited by Ambry Genetics).